The following is an entry in ClinVar:

NM_001159773.2(CANT1):c.1112C>T (p.Ala371Val)

Gene: CANT1 (calcium activated nucleotidase 1; minus strand). Cytogenetic location: 17q25.3.
Variant type: single nucleotide variant.
Coding change: c.1112C>T on transcript NM_001159773.2 (MANE Select); coding-DNA position 1112, C replaced by T.
Protein change: p.Ala371Val; replaces alanine 371 with valine.
Molecular consequence: missense variant.
Genome position (GRCh38, 1-based): chr17:78,993,644, G>A on the plus strand (C>T on the coding strand, the complement: CANT1 is on the minus strand). VCF-style: chr17-78993644-G-A. GRCh37 (hg19) VCF-style: chr17-76989726-G-A.
Other names: c.1112C>T, p.Ala371Val (NM_001159772.2, NM_138793.4); short protein forms A371V.
Identifiers: ClinVar variation 548509 (VCV000548509.11), dbSNP rs372631124, ClinGen allele CA8808516.

ClinVar aggregate classification (germline): Conflicting classifications of pathogenicity. Review status: criteria provided, conflicting classifications (1 of 4 stars). 4 submissions from 3 submitters: Likely pathogenic (2); Uncertain significance (2). Last evaluated 2024-06-26.

Conditions:
Epiphyseal dysplasia, multiple, 7. Identifiers: Orphanet 647676, MedGen C4540251, MONDO:0054680, OMIM 617719.
Desbuquois dysplasia 1 (DBQD1). Also called: DESBUQUOIS DYSPLASIA 1, KIM VARIANT; MICROMELIC DWARFISM WITH VERTEBRAL AND METAPHYSEAL ABNORMALITIES AND ADVANCED CARPOTARSAL OSSIFICATION. Identifiers: Orphanet 1425, MedGen C4012146, MONDO:0009629, OMIM 251450.

Allele frequency attached by ClinVar (database versions not stated): gnomAD 0.00002; TOPMed 0.00002; gnomAD exomes 0.00004 and 0.00006; ExAC 0.00008; ESP Exome Variant Server 0.00008; 1000 Genomes Project 30x 0.00031; 1000 Genomes Project 0.00040.
gnomAD v4.1: 66 of 1,614,256 alleles (0.0041%); highest among the groups gnomAD compares: South Asian, 0.046%; no homozygotes.

Submissions (4):

Blueprint Genetics
Classification: Uncertain significance. Last evaluated: 2024-06-26. Review status: criteria provided, single submitter. Criteria: ACMG Guidelines, 2015. Collection method: clinical testing. Allele origin: germline.

Labcorp Genetics (formerly Invitae), Labcorp
Classification: Uncertain significance. Last evaluated: 2021-09-02. Review status: criteria provided, single submitter. Criteria: Invitae Variant Classification Sherloc (09022015). Collection method: clinical testing. Allele origin: germline.
Comment: This sequence change replaces alanine with valine at codon 371 of the CANT1 protein (p.Ala371Val). The alanine residue is highly conserved and there is a small physicochemical difference between alanine and valine. This variant is present in population databases (rs372631124, ExAC 0.05%). This variant has not been reported in the literature in individuals affected with CANT1-related conditions. ClinVar contains an entry for this variant (Variation ID: 548509). Algorithms developed to predict the effect of missense changes on protein structure and function are either unavailable or do not agree on the potential impact of this missense change (SIFT: "Deleterious"; PolyPhen-2: "Probably Damaging"; Align-GVGD: "Class C0"). In summary, the available evidence is currently insufficient to determine the role of this variant in disease. Therefore, it has been classified as a Variant of Uncertain Significance.

Genomic Research Center, Shahid Beheshti University of Medical Sciences
Classification: Likely pathogenic for Desbuquois dysplasia 1. Last evaluated: 2018-03-05. Review status: criteria provided, single submitter. Criteria: ACMG Guidelines, 2015. Collection method: clinical testing. Allele origin: inherited. Affected: yes. Observed: 1 variant allele.

Genomic Research Center, Shahid Beheshti University of Medical Sciences
Classification: Likely pathogenic for Epiphyseal dysplasia, multiple, 7. Last evaluated: 2018-03-05. Review status: criteria provided, single submitter. Criteria: ACMG Guidelines, 2015. Collection method: clinical testing. Allele origin: inherited. Affected: yes. Observed: 1 variant allele.